The following is an entry in ClinVar:

NM_000400.4(ERCC2):c.309G>A (p.Pro103=)

Gene: ERCC2 (ERCC excision repair 2, TFIIH core complex helicase subunit; minus strand). Cytogenetic location: 19q13.32.
Variant type: single nucleotide variant.
Coding change: c.309G>A on transcript NM_000400.4 (MANE Select); coding-DNA position 309, G replaced by A.
Protein change: p.Pro103=; no amino-acid change (proline 103 retained).
Molecular consequence: synonymous variant.
Genome position (GRCh38, 1-based): chr19:45,368,681, C>T on the plus strand (G>A on the coding strand, the complement: ERCC2 is on the minus strand). VCF-style: chr19-45368681-C-T. GRCh37 (hg19) VCF-style: chr19-45871939-C-T.
Other names: c.237G>A, p.Pro79= (NM_001130867.2).
Identifiers: ClinVar variation 1555270 (VCV001555270.11), dbSNP rs371383715, ClinGen allele CA9513831.

ClinVar aggregate classification (germline): Likely benign. Review status: criteria provided, multiple submitters, no conflicts (2 of 4 stars). 3 submissions from 3 submitters: Likely benign (2). 1 of the submissions does not count toward it. Last evaluated 2026-01-15.

Conditions:
Inborn genetic diseases. Identifiers: MedGen C0950123, MeSH D030342.
ERCC2-related disorder. Also called: ERCC2-related conditions; ERCC2-related condition; ERCC2-related disorders. Identifiers: MedGen CN239291.

Allele frequency attached by ClinVar (database versions not stated): gnomAD 0.00001; ExAC 0.00002; TOPMed 0.00003; gnomAD exomes 0.00004.

Submissions (3):

Labcorp Genetics (formerly Invitae), Labcorp
Classification: Likely benign. Last evaluated: 2026-01-15. Review status: criteria provided, single submitter. Criteria: Invitae Variant Classification Sherloc (09022015). Collection method: clinical testing. Allele origin: germline.

Ambry Genetics
Classification: Likely benign for Inborn genetic diseases. Last evaluated: 2022-04-29. Review status: criteria provided, single submitter. Criteria: Ambry Variant Classification Scheme 2023. Collection method: clinical testing. Allele origin: germline.

PreventionGenetics, part of Exact Sciences
Classification: Likely benign for ERCC2-related condition. Last evaluated: 2022-01-14. Review status: no assertion criteria provided. Collection method: clinical testing. Allele origin: germline. Not counted in ClinVar's aggregate classification.
Comment: This variant is classified as likely benign based on ACMG/AMP sequence variant interpretation guidelines (Richards et al. 2015 PMID: 25741868, with internal and published modifications).